The following is an entry in ClinVar:

NM_000169.3(GLA):c.805G>A (p.Val269Met)

Genes: GLA (galactosidase alpha; minus strand), RPL36A-HNRNPH2 (RPL36A-HNRNPH2 readthrough; plus strand). Cytogenetic location: Xq22.1.
Variant type: single nucleotide variant.
Coding change: c.805G>A on transcript NM_000169.3 (MANE Select); coding-DNA position 805, G replaced by A.
Protein change: p.Val269Met; replaces valine 269 with methionine.
Molecular consequence: missense variant. On other transcripts: non-coding transcript variant (3), intron variant (2).
Genome position (GRCh38, 1-based): chrX:101,398,564, C>T on the plus strand (G>A on the coding strand, the complement: GLA is on the minus strand). VCF-style: chrX-101398564-C-T. GRCh37 (hg19) VCF-style: chrX-100653552-C-T.
Other names: c.928G>A, p.Val310Met (NM_001406747.1); c.805G>A, p.Val269Met (NM_001406748.1); c.300+3107C>T (NM_001199973.2); c.177+6742C>T (NM_001199974.2); short protein forms V269M, V310M.
Identifiers: ClinVar variation 222421 (VCV000222421.12), dbSNP rs869312427, ClinGen allele CA352656.

ClinVar aggregate classification (germline): Pathogenic. Review status: criteria provided, multiple submitters, no conflicts (2 of 4 stars). 4 submissions from 4 submitters: Pathogenic (4). Last evaluated 2026-09-08.

Conditions:
Fabry disease. Also called: GLA DEFICIENCY; HEREDITARY DYSTOPIC LIPIDOSIS; Fabry's disease; Angiokeratoma corporis diffusum; Ceramide trihexosidosis; ALPHA-GALACTOSIDASE A DEFICIENCY. Identifiers: Orphanet 324, MedGen C0002986, MONDO:0010526, OMIM 301500, HP:0001071. Disease mechanism: loss of function, Fabry disease is due to inactivating mutations in the X-linked GLA gene resulting in deficiency of the enzyme Alpha Galactosidase-A..

Submissions (4):

Genomenon, Inc
Classification: Pathogenic for Fabry disease. Last evaluated: 2026-09-08. Review status: criteria provided, single submitter. Criteria: Genomenon Sequence Variant Interpretation Standards - Updated. Collection method: curation. Allele origin: germline. Affected: yes.
Comment: GLA p.Val269Met (c.805G>A) is a missense variant that changes the amino acid at codon 269 from Valine to Methionine. This variant has been observed in at least one proband with clinical features consistent with Fabry disease (PMID:24334114;27049364;18057066;22551898;29305833). The variant was found to segregate with disease in at least one affected family (PMID:24334114;27049364). At least one functional study has demonstrated a substantial alteration in protein function relative to the wild-type (PMID:32023956;22004918;27657681). It is absent or not present at a significant frequency in gnomAD. In silico models predict that this variant is possibly or probably damaging. In conclusion, we classify GLA p.Val269Met (c.805G>A) as a pathogenic variant.

Labcorp Genetics (formerly Invitae), Labcorp
Classification: Pathogenic for Fabry disease. Last evaluated: 2024-09-02. Review status: criteria provided, single submitter. Criteria: Invitae Variant Classification Sherloc (09022015). Collection method: clinical testing. Allele origin: germline.
Comment: This sequence change replaces valine, which is neutral and non-polar, with methionine, which is neutral and non-polar, at codon 269 of the GLA protein (p.Val269Met). This variant is not present in population databases (gnomAD no frequency). This missense change has been observed in individual(s) with Fabry disease (PMID: 22551898, 24334114, 24582695). It has also been observed to segregate with disease in related individuals. ClinVar contains an entry for this variant (Variation ID: 222421). Invitae Evidence Modeling of protein sequence and biophysical properties (such as structural, functional, and spatial information, amino acid conservation, physicochemical variation, residue mobility, and thermodynamic stability) indicates that this missense variant is not expected to disrupt GLA protein function with a negative predictive value of 80%. Experimental studies have shown that this missense change affects GLA function (PMID: 16595074, 22004918, 23935525). For these reasons, this variant has been classified as Pathogenic.

Revvity Omics, Revvity
Classification: Pathogenic. Last evaluated: 2022-09-01. Review status: criteria provided, single submitter. Criteria: ACMG Guidelines, 2015. Collection method: clinical testing. Allele origin: germline.

Women's Health and Genetics/Laboratory Corporation of America, LabCorp
Classification: Pathogenic for Fabry disease. Last evaluated: 2016-07-04. Review status: criteria provided, single submitter. Criteria: LabCorp Variant Classification Summary - May 2015. Collection method: clinical testing. Allele origin: germline.
Comment: Variant summary: The GLA c.805G>A (p.Val269Met) variant involves the alteration of a conserved nucleotide. 4/5 in silico tools predict a damaging outcome. Valine-269 is on a loop between the beta 7-strand and alfa 7-helix that surrounds the entrance to the active site (Shabbeer_2006). Multiple functional studies show that this variant severely impairs enzymatic activity and the enzymatic activity is less severe than that of D264Y or D264Y-V269M mutants (Shabbeer_2006, Andreotti_2011, Lukas_2013). This variant is absent in 87124 control chromosomes from ExAC. The variant has been reported in several FAB patients in literature and by a clinical diagnostic center in ClinVar. In an extensive pedigree from Brazil comprising 610 members, 79 had confirmed molecular diagnoses of Fabry disease (V269M) (Pereira_2014). Multiple clinical diagnostic laboratories/reputable databases have classified this variant as pathogenic. On the same codon, other missense variants, namely p.V269A and p.V269G have also been reported in patients with Fabry disease in literature and databases, suggesting that this codon is likely to be a mutational hot-spot. Taken together, this variant is classified as Pathogenic.

Literature cited by the submitters: PubMed 24334114 (cited by 3 submitters); PubMed 27049364 (cited by Genomenon, Inc); PubMed 18057066 (cited by Genomenon, Inc); PubMed 22551898 (cited by Genomenon, Inc and Labcorp Genetics (formerly Invitae), Labcorp); PubMed 29305833 (cited by Genomenon, Inc); PubMed 32023956 (cited by Genomenon, Inc); PubMed 22004918 (cited by 3 submitters); PubMed 27657681 (cited by Genomenon, Inc); PubMed 24582695 (cited by Labcorp Genetics (formerly Invitae), Labcorp and Women's Health and Genetics/Laboratory Corporation of America, LabCorp); PubMed 16595074 (cited by Labcorp Genetics (formerly Invitae), Labcorp and Women's Health and Genetics/Laboratory Corporation of America, LabCorp); PubMed 23935525 (cited by Labcorp Genetics (formerly Invitae), Labcorp and Women's Health and Genetics/Laboratory Corporation of America, LabCorp).